The following is an entry in ClinVar:

NM_001001331.4(ATP2B2):c.382G>A (p.Gly128Ser)

Gene: ATP2B2 (ATPase plasma membrane Ca2+ transporting 2; minus strand). Cytogenetic location: 3p25.3.
Variant type: single nucleotide variant.
Coding change: c.382G>A on transcript NM_001001331.4 (MANE Select); coding-DNA position 382, G replaced by A.
Protein change: p.Gly128Ser; replaces glycine 128 with serine.
Molecular consequence: missense variant.
Genome position (GRCh38, 1-based): chr3:10,410,633, C>T on the plus strand (G>A on the coding strand, the complement: ATP2B2 is on the minus strand). VCF-style: chr3-10410633-C-T. GRCh37 (hg19) VCF-style: chr3-10452317-C-T.
Other names: c.382G>A, p.Gly128Ser (NM_001330611.3, NM_001353564.1, NM_001363862.1 and 3 more transcripts); short protein forms G128S.
Identifiers: ClinVar variation 4751718 (VCV004751718.1).

ClinVar aggregate classification (germline): Uncertain significance (1 of 4 stars; one submission).

gnomAD v4.1: 26 of 1,606,904 alleles (0.0016%); highest among the groups gnomAD compares: Admixed American, 0.005%; no homozygotes.

Submission:

Labcorp Genetics (formerly Invitae), Labcorp
Classification: Uncertain significance. Last evaluated: 2025-04-22. Review status: criteria provided, single submitter. Criteria: Invitae Variant Classification Sherloc (09022015). Collection method: clinical testing. Allele origin: germline.
Comment: This sequence change replaces glycine, which is neutral and non-polar, with serine, which is neutral and polar, at codon 128 of the ATP2B2 protein (p.Gly128Ser). This variant is present in population databases (rs781572230, gnomAD 0.006%). This variant has not been reported in the literature in individuals affected with ATP2B2-related conditions. Invitae Evidence Modeling of protein sequence and biophysical properties (such as structural, functional, and spatial information, amino acid conservation, physicochemical variation, residue mobility, and thermodynamic stability) indicates that this missense variant is not expected to disrupt ATP2B2 protein function with a negative predictive value of 80%. In summary, the available evidence is currently insufficient to determine the role of this variant in disease. Therefore, it has been classified as a Variant of Uncertain Significance.